The following is an entry in ClinVar:

ClinVar aggregate classification (germline): Uncertain significance (1 of 4 stars; one submission).

Submission:

GeneDx
Classification: Uncertain significance. Last evaluated: 2024-11-27. Review status: criteria provided, single submitter. Criteria: GeneDx Variant Classification Process June 2021. Collection method: clinical testing. Allele origin: germline. Affected: yes.
Comment: Not observed at significant frequency in large population cohorts (gnomAD); In silico analysis supports that this missense variant has a deleterious effect on protein structure/function; Has not been previously published as pathogenic or benign to our knowledge

NM_014694.4(ADAMTSL2):c.566G>C (p.Gly189Ala)

Gene: ADAMTSL2 (ADAMTS like 2; plus strand). Cytogenetic location: 9q34.2.
Variant type: single nucleotide variant.
Coding change: c.566G>C on transcript NM_014694.4 (MANE Select); coding-DNA position 566, G replaced by C.
Protein change: p.Gly189Ala; replaces glycine 189 with alanine.
Molecular consequence: missense variant.
Genome position (GRCh38, 1-based): chr9:133,540,885, G>C. VCF-style: chr9-133540885-G-C. GRCh37 (hg19) VCF-style: chr9-136406007-G-C.
Other names: c.566G>C, p.Gly189Ala (NM_001145320.2); short protein forms G189A.
Identifiers: ClinVar variation 3900818 (VCV003900818.1).